The following is an entry in ClinVar:

ClinVar aggregate classification (germline): Uncertain significance (1 of 4 stars; one submission).

Submission:

Labcorp Genetics (formerly Invitae), Labcorp
Classification: Uncertain significance. Last evaluated: 2020-06-17. Review status: criteria provided, single submitter. Criteria: Invitae Variant Classification Sherloc (09022015). Collection method: clinical testing. Allele origin: germline.
Comment: In summary, the available evidence is currently insufficient to determine the role of this variant in disease. Therefore, it has been classified as a Variant of Uncertain Significance. Algorithms developed to predict the effect of missense changes on protein structure and function (SIFT, PolyPhen-2, Align-GVGD) all suggest that this variant is likely to be tolerated, but these predictions have not been confirmed by published functional studies and their clinical significance is uncertain. This variant has not been reported in the literature in individuals with NEDD4L-related conditions. This variant is not present in population databases (ExAC no frequency). This sequence change replaces asparagine with lysine at codon 388 of the NEDD4L protein (p.Asn388Lys). The asparagine residue is moderately conserved and there is a moderate physicochemical difference between asparagine and lysine.

NM_001144967.3(NEDD4L):c.1224T>A (p.Asn408Lys)

Gene: NEDD4L (NEDD4 like E3 ubiquitin protein ligase; plus strand). Cytogenetic location: 18q21.31.
Variant type: single nucleotide variant.
Coding change: c.1224T>A on transcript NM_001144967.3 (MANE Select); coding-DNA position 1224, T replaced by A.
Protein change: p.Asn408Lys; replaces asparagine 408 with lysine.
Molecular consequence: missense variant. On other transcripts: intron variant (1).
Genome position (GRCh38, 1-based): chr18:58,341,136, T>A. VCF-style: chr18-58341136-T-A. GRCh37 (hg19) VCF-style: chr18-56008368-T-A.
Other names: c.861T>A, p.Asn287Lys (NM_001144964.1, NM_001144965.2, NM_001144966.3); c.1200T>A, p.Asn400Lys (NM_001144968.2); c.1140T>A, p.Asn380Lys (NM_001144969.2); c.801T>A, p.Asn267Lys (NM_001144970.3, NM_001144971.2); c.1164T>A, p.Asn388Lys (NM_015277.6); c.1066-542T>A (NM_001243960.2); short protein forms N267K, N287K, N380K, N388K, N400K, N408K.
Identifiers: ClinVar variation 1054587 (VCV001054587.9), dbSNP rs1202824499, ClinGen allele CA402561761.